The following is an entry in ClinVar:

ClinVar aggregate classification (germline): Uncertain significance (1 of 4 stars; one submission).

Submission:

Labcorp Genetics (formerly Invitae), Labcorp
Classification: Uncertain significance. Last evaluated: 2024-11-22. Review status: criteria provided, single submitter. Criteria: Invitae Variant Classification Sherloc (09022015). Collection method: clinical testing. Allele origin: germline.
Comment: This sequence change replaces lysine, which is basic and polar, with arginine, which is basic and polar, at codon 520 of the POLR1A protein (p.Lys520Arg). This variant is not present in population databases (gnomAD no frequency). This variant has not been reported in the literature in individuals affected with POLR1A-related conditions. Invitae Evidence Modeling of protein sequence and biophysical properties (such as structural, functional, and spatial information, amino acid conservation, physicochemical variation, residue mobility, and thermodynamic stability) indicates that this missense variant is not expected to disrupt POLR1A protein function with a negative predictive value of 80%. In summary, the available evidence is currently insufficient to determine the role of this variant in disease. Therefore, it has been classified as a Variant of Uncertain Significance.

NM_015425.6(POLR1A):c.1559A>G (p.Lys520Arg)

Gene: POLR1A (RNA polymerase I subunit A; minus strand). Cytogenetic location: 2p11.2.
Variant type: single nucleotide variant.
Coding change: c.1559A>G on transcript NM_015425.6 (MANE Select); coding-DNA position 1559, A replaced by G.
Protein change: p.Lys520Arg; replaces lysine 520 with arginine.
Molecular consequence: missense variant.
Genome position (GRCh38, 1-based): chr2:86,075,082, T>C on the plus strand (A>G on the coding strand, the complement: POLR1A is on the minus strand). VCF-style: chr2-86075082-T-C. GRCh37 (hg19) VCF-style: chr2-86302205-T-C.
Other names: short protein forms K520R.
Identifiers: ClinVar variation 3665959 (VCV003665959.2).